The following is an entry in ClinVar:

ClinVar aggregate classification (germline): Likely benign (1 of 4 stars; one submission).

Submission:

Women's Health and Genetics/Laboratory Corporation of America, LabCorp
Classification: Likely benign. Last evaluated: 2025-09-15. Review status: criteria provided, single submitter. Criteria: LabCorp Variant Classification Summary - May 2015. Collection method: clinical testing. Allele origin: germline.
Comment: Variant summary: SOS1 c.1074+12_1074+13delCT alters a nucleotide located at a position not widely known to affect splicing. Consensus agreement among computation tools predict no significant impact on normal splicing. However, these predictions have yet to be confirmed by functional studies. The variant was absent in 245546 control chromosomes. The available data on variant occurrences in the general population are insufficient to allow any conclusion about variant significance. To our knowledge, no occurrence of c.1074+12_1074+13delCT in individuals affected with SOS1-related conditions and no experimental evidence demonstrating its impact on protein function have been reported. No submitters have cited clinical-significance assessments for this variant to ClinVar. Based on the evidence outlined above, the variant was classified as likely benign.

NM_005633.4(SOS1):c.1074+12_1074+13del

Gene: SOS1 (SOS Ras/Rac guanine nucleotide exchange factor 1; minus strand). Cytogenetic location: 2p22.1.
Variant type: Microsatellite.
Coding change: c.1074+12_1074+13del on transcript NM_005633.4 (MANE Select); bases 12 to 13 of the intron after coding-DNA position 1074, 2 bases deleted (CT; older notation c.1074+12_1074+13delCT).
Molecular consequence: intron variant.
Genome position (GRCh38, 1-based): chr2:39,035,199-39,035,200, AG deleted on the plus strand (CT on the coding strand, the reverse complement: SOS1 is on the minus strand); deleting any 2 consecutive bases within chr2:39,035,199-39,035,202 gives the same sequence; the c. name uses the placement nearest the transcript's 3' end. VCF-style (leftmost placement, unchanged base first): chr2-39035198-AAG-A. GRCh37 (hg19) VCF-style: chr2-39262339-AAG-A.
Other names: c.1053+12_1053+13del (NM_001382394.1); c.1074+12_1074+13del (NM_001382395.1); c.1074+12_1074+13delCT (NM_005633.4).
Identifiers: ClinVar variation 4535522 (VCV004535522.1).